The following is an entry in ClinVar:

ClinVar aggregate classification (germline): Pathogenic. Review status: criteria provided, multiple submitters, no conflicts (2 of 4 stars). 9 submissions from 9 submitters: Pathogenic (7). 2 of the submissions do not count toward it. Last evaluated 2024-10-11.

Conditions:
Inborn genetic diseases. Identifiers: MedGen C0950123, MeSH D030342.
Noonan syndrome 8 (NS8). Identifiers: Orphanet 648, MedGen C3809233, MONDO:0014143, OMIM 615355.
RASopathy. Also called: rasopathies; Noonan spectrum disorder. Identifiers: Orphanet 536391, MedGen C5555857, MONDO:0021060.
Noonan syndrome (NS). Also called: Noonan's syndrome. Identifiers: Orphanet 648, MedGen C0028326, MeSH D009634, MONDO:0018997. Disease mechanism: gain of function.
Noonan syndrome 1 (NS1). Also called: FEMALE PSEUDO-TURNER SYNDROME; TURNER PHENOTYPE WITH NORMAL KARYOTYPE; PTPN11-Related Noonan Syndrome. Identifiers: Orphanet 648, MedGen C4551602, MONDO:0008104, OMIM 163950. Disease mechanism: gain of function.

Submissions (9):

3billion
Classification: Pathogenic for Noonan syndrome 8. Last evaluated: 2024-10-11. Review status: criteria provided, single submitter. Criteria: ACMG Guidelines, 2015. Collection method: clinical testing. Allele origin: germline. Affected: yes.
Comment: The variant is not observed in the gnomAD v4.1.0 dataset. Predicted Consequence/Location: The variant is located in a mutational hot spot and/or well-established functional domain in which established pathogenic variants have been reported. Missense variant. Missense changes are a common disease-causing mechanism. In silico tool predictions suggest damaging effect of the variant on gene or gene product [REVEL: 0.82 (>=0.6, sensitivity 0.68 and specificity 0.92); 3Cnet: 0.99 (>=0.6, sensitivity 0.72 and precision 0.9)]. The same nucleotide change resulting in the same amino acid change has been previously reported as pathogenic/likely pathogenic with strong evidence (ClinVar ID: VCV000183409 /PMID: 23791108 /3billion dataset). The variant has been previously reported as de novo in a similarly affected individual (PMID: 23791108). Therefore, this variant is classified as Pathogenic according to the recommendation of ACMG/AMP guideline.

GeneDx
Classification: Pathogenic. Last evaluated: 2024-06-05. Review status: criteria provided, single submitter. Criteria: GeneDx Variant Classification Process June 2021. Collection method: clinical testing. Allele origin: germline. Affected: yes.
Comment: Published functional studies demonstrate that the p.(T83P) variant results in enhanced Elk1 transactivation in comparison to wild-type (PMID: 26714497); Published functional studies have also demonstrated that p.(T83P) results in an increased nucleotide exchange rate and slower GTP hydrolysis (PMID: 27226556); Not observed in large population cohorts (gnomAD); In silico analysis supports that this missense variant has a deleterious effect on protein structure/function; This variant is associated with the following publications: (PMID: 26757980, 34758253, 25959749, 27109146, 26446362, 27226556, 26714497, 23791108)

Genome-Nilou Lab
Classification: Pathogenic for Noonan syndrome 8. Last evaluated: 2023-04-11. Review status: criteria provided, single submitter. Criteria: ACMG Guidelines, 2015. Collection method: clinical testing. Allele origin: germline. Affected: no.

Labcorp Genetics (formerly Invitae), Labcorp
Classification: Pathogenic for Noonan syndrome 8. Last evaluated: 2020-05-15. Review status: criteria provided, single submitter. Criteria: Invitae Variant Classification Sherloc (09022015). Collection method: clinical testing. Allele origin: germline.
Comment: For these reasons, this variant has been classified as Pathogenic. This missense change is located in a region of the RIT1 protein where a significant number of previously reported RIT1 missense mutations are found (PMID: 26757980, 27101134). These observations suggest that this may be a clinically significant region of the protein. This variant has been reported to affect RIT1 protein function (PMID: 27226556). This variant has been observed in individual(s) with Noonan syndrome (PMID: 23791108). In at least one individual the variant was observed to be de novo. ClinVar contains an entry for this variant (Variation ID: 183409). This variant is not present in population databases (ExAC no frequency). This sequence change replaces threonine with proline at codon 83 of the RIT1 protein (p.Thr83Pro). The threonine residue is highly conserved and there is a small physicochemical difference between threonine and proline.

Women's Health and Genetics/Laboratory Corporation of America, LabCorp
Classification: Pathogenic for Rasopathy. Last evaluated: 2020-03-16. Review status: criteria provided, single submitter. Criteria: LabCorp Variant Classification Summary - May 2015. Collection method: clinical testing. Allele origin: germline.
Comment: Variant summary: RIT1 c.247A>C (p.Thr83Pro) results in a non-conservative amino acid change located in the small GTP-binding protein domain (IPR005225) of the encoded protein sequence. Four of five in-silico tools predict a damaging effect of the variant on protein function. The variant was absent in 250842 control chromosomes (gnomAD). c.247A>C has been reported in the literature in individuals affected with Noonan Syndrome and Related Conditions (examples- Aoki_2013, Cave_2016, Kouz_2016). These data indicate that the variant may be associated with disease. In-vitro studies evaluating an impact on protein function showed that the variant results in impaired GTP-hydrolysis and increased activation as assessed by Ras-binding domain pull-down assays (Fang_2016) and higher levels of activation of Elk1 (Yaoita_2016). Two clinical diagnostic laboratories have submitted clinical-significance assessments for this variant to ClinVar after 2014 without evidence for independent evaluation. Both laboratories cited the variant as pathogenic. Based on the evidence outlined above, the variant was classified as pathogenic.

Ambry Genetics
Classification: Pathogenic for Inborn genetic diseases. Last evaluated: 2015-11-19. Review status: criteria provided, single submitter. Criteria: Ambry exome assertion method (8-5-2015). Collection method: clinical testing. Allele origin: germline. Affected: yes. Observed: 1 variant allele.

Institute for Genomic Statistics and Bioinformatics, University Hospital Bonn
Classification: Pathogenic for Noonan syndrome 1. Review status: criteria provided, single submitter. Criteria: ACMG Guidelines, 2015. Collection method: clinical testing. Allele origin: unknown. Affected: yes. Observed: 1 variant allele.

Genomics England Pilot Project, Genomics England
Classification: Likely pathogenic for Noonan syndrome 8. Review status: no assertion criteria provided. Criteria: ACGS Guidelines, 2016. Collection method: clinical testing. Allele origin: germline. Affected: yes. Not counted in ClinVar's aggregate classification.

Service de Génétique Moléculaire, Hôpital Robert Debré
Classification: Pathogenic for Noonan's syndrome. Review status: no assertion criteria provided. Criteria: clinical testing. Collection method: clinical testing. Allele origin: de novo. Affected: yes. Observed: 1 variant allele. Not counted in ClinVar's aggregate classification.

Literature cited by the submitters: PubMed 23791108 (cited by 4 submitters); PubMed 26757980 (cited by Labcorp Genetics (formerly Invitae), Labcorp and Women's Health and Genetics/Laboratory Corporation of America, LabCorp); PubMed 27101134 (cited by Labcorp Genetics (formerly Invitae), Labcorp and Women's Health and Genetics/Laboratory Corporation of America, LabCorp); PubMed 27226556 (cited by Labcorp Genetics (formerly Invitae), Labcorp and Women's Health and Genetics/Laboratory Corporation of America, LabCorp); PubMed 25959749 (cited by Women's Health and Genetics/Laboratory Corporation of America, LabCorp); PubMed 26714497 (cited by Women's Health and Genetics/Laboratory Corporation of America, LabCorp); PubMed 8462668 (cited by Ambry Genetics).

NM_006912.6(RIT1):c.247A>C (p.Thr83Pro)

Gene: RIT1 (Ras like without CAAX 1; minus strand). Cytogenetic location: 1q22.
Variant type: single nucleotide variant.
Coding change: c.247A>C on transcript NM_006912.6 (MANE Select); coding-DNA position 247, A replaced by C.
Protein change: p.Thr83Pro; replaces threonine 83 with proline.
Molecular consequence: missense variant.
Genome position (GRCh38, 1-based): chr1:155,904,493, T>G on the plus strand (A>C on the coding strand, the complement: RIT1 is on the minus strand). VCF-style: chr1-155904493-T-G. GRCh37 (hg19) VCF-style: chr1-155874284-T-G.
Other names: c.247A>C, p.Thr83Pro (LRG_1372t1); c.139A>C, p.Thr47Pro (NM_001256820.2); c.298A>C, p.Thr100Pro (NM_001256821.2); short protein forms T83P, T100P, T47P.
Identifiers: ClinVar variation 183409 (VCV000183409.23), dbSNP rs869025195, ClinGen allele CA353876.